The following is an entry in ClinVar:

NM_198282.4(STING1):c.694_695inv (p.His232Cys)

Gene: STING1 (stimulator of interferon response cGAMP interactor 1; minus strand). Cytogenetic location: 5q31.2.
Variant type: Inversion.
Coding change: c.694_695inv on transcript NM_198282.4 (MANE Select).
Protein change: p.His232Cys; replaces histidine 232 with cysteine.
Molecular consequence: missense variant.
Genome position: GRCh38 VCF-style: chr5-139478334-TG-CA. GRCh37 (hg19) VCF-style: chr5-138857919-TG-CA.
Other names: c.694_695inv, p.His232Cys (NM_001301738.2); c.337_338inv, p.His113Cys (NM_001367258.1); short protein forms H232C, H113C.
Identifiers: ClinVar variation 4748804 (VCV004748804.1).

ClinVar aggregate classification (germline): Uncertain significance (1 of 4 stars; one submission).

Conditions:
STING-associated vasculopathy with onset in infancy. Also called: Sting-associated vasculopathy, infantile-onset. Identifiers: Orphanet 425120, MedGen C4014722, MONDO:0014405, OMIM 615934.

Submission:

Labcorp Genetics (formerly Invitae), Labcorp
Classification: Uncertain significance for STING-associated vasculopathy with onset in infancy. Last evaluated: 2025-03-18. Review status: criteria provided, single submitter. Criteria: Invitae Variant Classification Sherloc (09022015). Collection method: clinical testing. Allele origin: germline.
Comment: This sequence change replaces histidine, which is basic and polar, with cysteine, which is neutral and slightly polar, at codon 232 of the TMEM173 protein (p.His232Cys). The frequency data for this variant in the population databases is considered unreliable, as metrics indicate poor data quality at this position in the gnomAD database. This variant has not been reported in the literature in individuals affected with TMEM173-related conditions. An algorithm developed to predict the effect of missense changes on protein structure and function (PolyPhen-2) suggests that this variant is likely to be tolerated. In summary, the available evidence is currently insufficient to determine the role of this variant in disease. Therefore, it has been classified as a Variant of Uncertain Significance.